The following is an entry in ClinVar:

NM_138927.4(SON):c.1386del (p.Leu463fs)

Gene: SON (SON DNA and RNA binding protein; plus strand). Cytogenetic location: 21q22.11.
Variant type: Deletion.
Coding change: c.1386del on transcript NM_138927.4 (MANE Select); coding-DNA position 1386, one base deleted (G; older notation c.1386delG).
Protein change: p.Leu463fs; shifts the reading frame from leucine 463.
Molecular consequence: frameshift variant. On other transcripts: non-coding transcript variant (1), intron variant (1).
Genome position (GRCh38, 1-based): chr21:33,550,617, G deleted; the last of 4 consecutive G bases (chr21:33,550,614-33,550,617); deleting any one gives the same sequence. VCF-style (leftmost placement, unchanged base first): chr21-33550613-TG-T. GRCh37 (hg19) VCF-style: chr21-34922919-TG-T.
Other names: c.1386del, p.Leu463fs (NM_001291411.2, NM_032195.3); c.244+4238del (NM_001291412.3); short protein forms L463fs.
Identifiers: ClinVar variation 4846938 (VCV004846938.1).

ClinVar aggregate classification (germline): Likely pathogenic (1 of 4 stars; one submission).

Conditions:
ZTTK syndrome (ZTTKS). Also called: ZTTK MULTIPLE CONGENITAL ANOMALIES-MENTAL RETARDATION SYNDROME; Zhu-Tokita-Takenouchi-Kim Syndrome. Identifiers: Orphanet 500150, MedGen C4310696, MONDO:0014936, OMIM 617140.

Submission:

Laboratorio de Genetica e Diagnostico Molecular, Hospital Israelita Albert Einstein
Classification: Likely pathogenic for ZTTK syndrome. Last evaluated: 2025-07-31. Review status: criteria provided, single submitter. Criteria: ACMG Guidelines, 2015. Collection method: clinical testing. Allele origin: germline. Affected: yes.
Comment: ACMG classification criteria: PVS1 very strong, PM2 supporting